The following is an entry in ClinVar:

ClinVar aggregate classification (germline): Uncertain significance (1 of 4 stars; one submission).

Conditions:
Neurofibromatosis, type 1 (NF1). Also called: Peripheral type neurofibromatosis; VON RECKLINGHAUSEN DISEASE; NEUROFIBROMATOSIS, TYPE I, SOMATIC; Neurofibromatosis, type I. Identifiers: Orphanet 636, MedGen C0027831, MONDO:0018975, OMIM 162200. Disease mechanism: loss of function.

Submission:

Labcorp Genetics (formerly Invitae), Labcorp
Classification: Uncertain significance for Neurofibromatosis, type 1. Last evaluated: 2022-05-08. Review status: criteria provided, single submitter. Criteria: Invitae Variant Classification Sherloc (09022015). Collection method: clinical testing. Allele origin: germline.
Comment: In summary, the available evidence is currently insufficient to determine the role of this variant in disease. Therefore, it has been classified as a Variant of Uncertain Significance. This variant has not been reported in the literature in individuals affected with NF1-related conditions. Algorithms developed to predict the effect of missense changes on protein structure and function are either unavailable or do not agree on the potential impact of this missense change (SIFT: "Tolerated"; PolyPhen-2: "Probably Damaging"; Align-GVGD: "Class C0"). This variant is not present in population databases (gnomAD no frequency). This sequence change replaces threonine, which is neutral and polar, with isoleucine, which is neutral and non-polar, at codon 737 of the NF1 protein (p.Thr737Ile).

NM_001042492.3(NF1):c.2210C>T (p.Thr737Ile)

Gene: NF1 (neurofibromin 1; plus strand). Cytogenetic location: 17q11.2.
Variant type: single nucleotide variant.
Coding change: c.2210C>T on transcript NM_001042492.3 (MANE Select); coding-DNA position 2210, C replaced by T.
Protein change: p.Thr737Ile; replaces threonine 737 with isoleucine.
Molecular consequence: missense variant.
Genome position (GRCh38, 1-based): chr17:31,226,643, C>T. VCF-style: chr17-31226643-C-T. GRCh37 (hg19) VCF-style: chr17-29553661-C-T.
Other names: c.2210C>T, p.Thr737Ile (NM_000267.4); short protein forms T737I.
Identifiers: ClinVar variation 2135290 (VCV002135290.4), dbSNP rs2151426073, ClinGen allele CA398982502.